The following is an entry in ClinVar:

ClinVar aggregate classification (germline): Likely benign. Review status: criteria provided, multiple submitters, no conflicts (2 of 4 stars). 5 submissions from 5 submitters: Likely benign (4). 1 of the submissions does not count toward it. Last evaluated 2025-11-01.

Conditions:
POLG-related disorder. Also called: POLG-related condition; POLG-Related Disorders; POLG-Related Spectrum Disorders. Identifiers: MedGen C4763519.
Progressive sclerosing poliodystrophy (MTDPS4A). Also called: ALPERS PROGRESSIVE INFANTILE POLIODYSTROPHY; NEURONAL DEGENERATION OF CHILDHOOD WITH LIVER DISEASE, PROGRESSIVE; Alpers-Huttenlocher Syndrome (AHS); Alpers Syndrome; Mitochondrial DNA Depletion Syndrome 4A; ALPERS DIFFUSE DEGENERATION OF CEREBRAL GRAY MATTER WITH HEPATIC CIRRHOSIS. Identifiers: Orphanet 726, MedGen C0205710, MONDO:0008758, OMIM 203700.

Allele frequency attached by ClinVar (database versions not stated): gnomAD 0.00001; gnomAD exomes 0.00001 and 0.00006; TOPMed 0.00002; ExAC 0.00007.
gnomAD v4.1: 18 of 1,614,076 alleles (0.0011%); highest among the groups gnomAD compares: Admixed American, 0.03%; no homozygotes.

Submissions (5):

Labcorp Genetics (formerly Invitae), Labcorp
Classification: Likely benign for Progressive sclerosing poliodystrophy. Last evaluated: 2025-11-01. Review status: criteria provided, single submitter. Criteria: Invitae Variant Classification Sherloc (09022015). Collection method: clinical testing. Allele origin: germline.

Mayo Clinic Laboratories, Mayo Clinic
Classification: Likely benign. Last evaluated: 2025-08-04. Review status: criteria provided, single submitter. Criteria: ACMG Guidelines, 2015. Collection method: clinical testing. Allele origin: germline. Observed: 1 variant allele.
Comment: BP4, BP7

GeneDx
Classification: Likely benign. Last evaluated: 2020-06-22. Review status: criteria provided, single submitter. Criteria: GeneDx Variant Classification Process June 2021. Collection method: clinical testing. Allele origin: germline. Affected: yes.

Wong Mito Lab, Molecular and Human Genetics, Baylor College of Medicine
Classification: Likely benign for Progressive sclerosing poliodystrophy. Last evaluated: 2018-10-01. Review status: criteria provided, single submitter. Criteria: ACMG Guidelines, 2015. Collection method: clinical testing. Allele origin: germline.
Comment: The NM_002693.2:c.2118G>A (NP_002684.1:p.Glu706=) [GRCH38: NC_000015.10:g.89323854C>T] variant in POLG gene is interpretated to be a Likely Benign based on ACMG guidelines (PMID: 25741868). This variant meets the following evidence codes reported in the ACMG-guideline. BP4:Computational evidence/predictors indicate no impact on the POLG structure, function, or protein-protein interaction. BP7:The variant is silent with non predicted splice impact. Based on the evidence criteria codes applied, the variant is suggested to be Likely Benign.

PreventionGenetics, part of Exact Sciences
Classification: Likely benign for POLG-related condition. Last evaluated: 2022-03-30. Review status: no assertion criteria provided. Collection method: clinical testing. Allele origin: germline. Not counted in ClinVar's aggregate classification.
Comment: This variant is classified as likely benign based on ACMG/AMP sequence variant interpretation guidelines (Richards et al. 2015 PMID: 25741868, with internal and published modifications).

NM_002693.3(POLG):c.2118G>A (p.Glu706=)

Gene: POLG (DNA polymerase gamma, catalytic subunit; minus strand). Cytogenetic location: 15q26.1.
Variant type: single nucleotide variant.
Coding change: c.2118G>A on transcript NM_002693.3 (MANE Select); coding-DNA position 2118, G replaced by A.
Protein change: p.Glu706=; no amino-acid change (glutamic acid 706 retained).
Molecular consequence: synonymous variant.
Genome position (GRCh38, 1-based): chr15:89,323,854, C>T on the plus strand (G>A on the coding strand, the complement: POLG is on the minus strand). VCF-style: chr15-89323854-C-T. GRCh37 (hg19) VCF-style: chr15-89867085-C-T.
Other names: p.Glu706=; c.2118G>A, p.Glu706= (NM_001126131.2).
Identifiers: ClinVar variation 381338 (VCV000381338.15), dbSNP rs748699275, ClinGen allele CA7724586.
Genomic context (GRCh38, chr15:89,323,854, plus strand): 5'-CCAAGCCGGCGCACTGCTCACCAGAGCTAGGGGTTGACCTGGCACTGCAGCTCGCAAGTT[C>T]TCCATCTTGGCCTCAGCCTCCACTTCTAAGTAATCCAGTTCTTCTACCTGGAGCAGTCCA-3'
Protein context (NP_002684.1, residues 696-716): YLEVEAEAKM[Glu706=]NLRAAVPGQP